The following is an entry in ClinVar:

ClinVar aggregate classification (germline): Likely benign. Review status: criteria provided, single submitter (1 of 4 stars). 2 submissions from 2 submitters: Likely benign (1). 1 of the submissions does not count toward it. Last evaluated 2025-11-17.

Conditions:
TMEM107-related disorder. Also called: TMEM107-related condition.

Allele frequency attached by ClinVar (database versions not stated): gnomAD 0.00001.

Submissions (2):

Labcorp Genetics (formerly Invitae), Labcorp
Classification: Likely benign. Last evaluated: 2025-11-17. Review status: criteria provided, single submitter. Criteria: Invitae Variant Classification Sherloc (09022015). Collection method: clinical testing. Allele origin: germline.

PreventionGenetics, part of Exact Sciences
Classification: Likely benign for TMEM107-related condition. Last evaluated: 2019-05-07. Review status: no assertion criteria provided. Collection method: clinical testing. Allele origin: germline. Not counted in ClinVar's aggregate classification.
Comment: This variant is classified as likely benign based on ACMG/AMP sequence variant interpretation guidelines (Richards et al. 2015 PMID: 25741868, with internal and published modifications).

NM_183065.4(TMEM107):c.156-6C>G

Genes: TMEM107 (transmembrane protein 107; minus strand), LOC105371520 (uncharacterized LOC105371520; plus strand). Cytogenetic location: 17p13.1.
Variant type: single nucleotide variant.
Coding change: c.156-6C>G on transcript NM_183065.4 (MANE Select); 6 bases into the intron before coding-DNA position 156, C replaced by G.
Molecular consequence: intron variant. On other transcripts: synonymous variant (2).
Genome position (GRCh38, 1-based): chr17:8,175,863, G>C on the plus strand (C>G on the coding strand, the complement: TMEM107 is on the minus strand). VCF-style: chr17-8175863-G-C. GRCh37 (hg19) VCF-style: chr17-8079181-G-C.
Other names: c.168C>G, p.Leu56= (NM_001351278.2, NM_032354.5); c.155+96C>G (NM_001351280.2); c.156-6C>G (NM_001351279.2).
Identifiers: ClinVar variation 3041219 (VCV003041219.4), dbSNP rs1984088280, ClinGen allele CA497763716.